The following is an entry in ClinVar:

ClinVar aggregate classification (germline): Benign. Review status: criteria provided, multiple submitters, no conflicts (2 of 4 stars). 3 submissions from 3 submitters: Benign (3). Last evaluated 2026-01-27.

Allele frequency attached by ClinVar (database versions not stated): gnomAD exomes 0.00258; ExAC 0.00329; gnomAD 0.01047 and 0.01122; 1000 Genomes Project 0.01138; ESP Exome Variant Server 0.01146; TOPMed 0.01169; 1000 Genomes Project 30x 0.01202.
gnomAD v4.1: 2,930 of 1,614,092 alleles (0.18%); highest among the groups gnomAD compares: African/African-American, 3.5%; 37 homozygotes.

Submissions (3):

Labcorp Genetics (formerly Invitae), Labcorp
Classification: Benign. Last evaluated: 2026-01-27. Review status: criteria provided, single submitter. Criteria: Invitae Variant Classification Sherloc (09022015). Collection method: clinical testing. Allele origin: germline.

Mayo Clinic Laboratories, Mayo Clinic
Classification: Benign. Last evaluated: 2023-01-30. Review status: criteria provided, single submitter. Criteria: ACMG Guidelines, 2015. Collection method: clinical testing. Allele origin: germline. Observed: 2 variant alleles.
Comment: BA1, BS2

Athena Diagnostics
Classification: Benign. Last evaluated: 2019-08-05. Review status: criteria provided, single submitter. Criteria: Athena Diagnostics Criteria. Collection method: clinical testing. Allele origin: germline.

NM_001080516.2(GRXCR2):c.510C>T (p.His170=)

Gene: GRXCR2 (glutaredoxin and cysteine rich domain containing 2; minus strand). Cytogenetic location: 5q32.
Variant type: single nucleotide variant.
Coding change: c.510C>T on transcript NM_001080516.2 (MANE Select); coding-DNA position 510, C replaced by T.
Protein change: p.His170=; no amino-acid change (histidine 170 retained).
Molecular consequence: synonymous variant.
Genome position (GRCh38, 1-based): chr5:145,866,555, G>A on the plus strand (C>T on the coding strand, the complement: GRXCR2 is on the minus strand). VCF-style: chr5-145866555-G-A. GRCh37 (hg19) VCF-style: chr5-145246118-G-A.
Other names: p.His170=.
Identifiers: ClinVar variation 717851 (VCV000717851.12), dbSNP rs114615413, ClinGen allele CA3488003.
Genomic context (GRCh38, chr5:145,866,555, plus strand): 5'-ACGCACCTGTGTATACCGGTTTTGGGGTAATGTGCTTTCTGCCTCCACCAAAGGTCTATC[G>A]TGCTGGTCCCTGCCTCCATAGCTTTCTTCTTTGTTCATCAGAGACTCTTCCTCAGCCTCC-3'
Protein context (NP_001073985.1, residues 160-180): KEESYGGRDQ[His170=]DRPLVEAEST